The following is an entry in ClinVar:

NM_003742.4(ABCB11):c.3017T>G (p.Leu1006Ter)

Gene: ABCB11 (ATP binding cassette subfamily B member 11; minus strand). Cytogenetic location: 2q31.1.
Variant type: single nucleotide variant.
Coding change: c.3017T>G on transcript NM_003742.4 (MANE Select); coding-DNA position 3017, T replaced by G.
Protein change: p.Leu1006Ter; replaces leucine 1006 with a stop codon.
Molecular consequence: nonsense.
Genome position (GRCh38, 1-based): chr2:168,935,223, A>C on the plus strand (T>G on the coding strand, the complement: ABCB11 is on the minus strand). VCF-style: chr2-168935223-A-C. GRCh37 (hg19) VCF-style: chr2-169791733-A-C.
Other names: short protein forms L1006*.
Identifiers: ClinVar variation 4815272 (VCV004815272.1).

ClinVar aggregate classification (germline): Likely pathogenic (1 of 4 stars; one submission).

Conditions:
Progressive familial intrahepatic cholestasis type 2. Identifiers: Orphanet 79304, MedGen C3489789, MONDO:0011156, OMIM 601847.

Submission:

Natera, Inc.
Classification: Likely pathogenic for Progressive familial intrahepatic cholestasis type 2. Last evaluated: 2025-03-21. Review status: criteria provided, single submitter. Criteria: Natera Variant Classification Schema (03/2026). Collection method: clinical testing. Allele origin: germline.
Comment: The c.3017T>G variant in ABCB11 is a nonsense variant predicted to introduce a stop codon at amino acid 1006. This variant is expected to result in nonsense mediated decay, truncation, or a dysfunctional protein product. This variant is rare in the general population with a frequency below the threshold expected for the associated phenotype(s). Given the available evidence, this variant is classified as Likely Pathogenic.